The following is an entry in ClinVar:

NM_006904.7(PRKDC):c.4667G>A (p.Gly1556Glu)

Gene: PRKDC (protein kinase, DNA-activated, catalytic subunit; minus strand). Cytogenetic location: 8q11.21.
Variant type: single nucleotide variant.
Coding change: c.4667G>A on transcript NM_006904.7 (MANE Select); coding-DNA position 4667, G replaced by A.
Protein change: p.Gly1556Glu; replaces glycine 1556 with glutamic acid.
Molecular consequence: missense variant.
Genome position (GRCh38, 1-based): chr8:47,886,053, C>T on the plus strand (G>A on the coding strand, the complement: PRKDC is on the minus strand). VCF-style: chr8-47886053-C-T. GRCh37 (hg19) VCF-style: chr8-48798614-C-T.
Other names: c.4667G>A, p.Gly1556Glu (NM_001081640.2); short protein forms G1556E.
Identifiers: ClinVar variation 3425198 (VCV003425198.1).
Genomic context (GRCh38, chr8:47,886,053, plus strand): 5'-TCCAGATTTTTCAATAATTCCGTGTTGATCGTTTCTGAGAACAAGCTATAGAAATACTCC[C>T]CATGGGAGAAGTGGATGACGCTGCCCTGTGAGCTGCCCAAGGACGCCGTGGACAGCACCG-3'
Protein context (NP_008835.5, residues 1546-1566): SQGSVIHFSH[Gly1556Glu]EYFYSLFSET

ClinVar aggregate classification (germline): Uncertain significance (1 of 4 stars; one submission).

Submission:

Ambry Genetics
Classification: Uncertain significance. Last evaluated: 2024-10-17. Review status: criteria provided, single submitter. Criteria: Ambry Variant Classification Scheme 2023. Collection method: clinical testing. Allele origin: germline.
Comment: The p.G1556E variant (also known as c.4667G>A), located in coding exon 36 of the PRKDC gene, results from a G to A substitution at nucleotide position 4667. The glycine at codon 1556 is replaced by glutamic acid, an amino acid with similar properties. This amino acid position is conserved. Based on the available evidence, the clinical significance of this variant remains unclear.